The following is an entry in ClinVar:

ClinVar aggregate classification (germline): Conflicting classifications of pathogenicity. Review status: criteria provided, conflicting classifications (1 of 4 stars). 4 submissions from 4 submitters: Pathogenic (1); Likely pathogenic (1); Uncertain significance (2). Last evaluated 2025-10-01.

Conditions:
Actin accumulation myopathy (CMYO2A). Also called: Myopathy, actin, congenital, with cores; Nemaline myopathy 3, with intranuclear rods; Nemaline myopathy type 3; Myopathy, actin, congenital, with excess of thin myofilaments; CONGENITAL MYOPATHY 2A, TYPICAL, AUTOSOMAL DOMINANT. Identifiers: Orphanet 98904, MedGen C3711389, MONDO:0008070, OMIM 161800.

Submissions (4):

CeGaT Center for Human Genetics Tuebingen
Classification: Likely pathogenic. Last evaluated: 2025-10-01. Review status: criteria provided, single submitter. Criteria: CeGaT Center For Human Genetics Tuebingen Variant Classification Criteria Version 2. Collection method: clinical testing. Allele origin: germline. Affected: yes. Observed: 1 variant allele.
Comment: ACTA1: PM2, PS2:Moderate, PM5:Supporting, PP2, PP3, PS4:Supporting

Muscle and Diseases Team, Institut de Génétique et Biologie Moléculaire et Cellulaire
Classification: Pathogenic for Actin accumulation myopathy. Last evaluated: 2024-03-01. Review status: criteria provided, single submitter. Criteria: ACMG Guidelines, 2015. Collection method: research. Allele origin: de novo. Affected: yes. Observed: 1 variant allele.
Comment: PS2+PM1+PM2+PM5+PP2+PP3

Labcorp Genetics (formerly Invitae), Labcorp
Classification: Uncertain significance for Actin accumulation myopathy. Last evaluated: 2021-12-22. Review status: criteria provided, single submitter. Criteria: Invitae Variant Classification Sherloc (09022015). Collection method: clinical testing. Allele origin: germline.
Comment: This sequence change replaces glutamic acid, which is acidic and polar, with glutamine, which is neutral and polar, at codon 74 of the ACTA1 protein (p.Glu74Gln). In summary, the available evidence is currently insufficient to determine the role of this variant in disease. Therefore, it has been classified as a Variant of Uncertain Significance. This variant is not present in population databases (gnomAD no frequency). This variant has not been reported in the literature in individuals affected with ACTA1-related conditions. ClinVar contains an entry for this variant (Variation ID: 166653). Advanced modeling of protein sequence and biophysical properties (such as structural, functional, and spatial information, amino acid conservation, physicochemical variation, residue mobility, and thermodynamic stability) performed at Invitae indicates that this missense variant is expected to disrupt ACTA1 protein function.

Eurofins Ntd Llc (ga)
Classification: Uncertain significance. Last evaluated: 2013-11-26. Review status: criteria provided, single submitter. Criteria: EGL Classification Definitions 2015. Collection method: clinical testing. Allele origin: germline. Observed: 1 variant allele, 1 heterozygote.

Literature cited by the submitters: DOI 10.1186/s13073-024-01353-0 (cited by Muscle and Diseases Team, Institut de Génétique et Biologie Moléculaire et Cellulaire).

NC_000001.11:g.229432790C>G

Gene: ACTA1 (actin alpha 1, skeletal muscle; minus strand). Cytogenetic location: 1q42.13.
Variant type: single nucleotide variant.
Genome position: GRCh38 VCF-style: chr1-229432790-C-G. GRCh37 (hg19) VCF-style: chr1-229568537-C-G.
Other names: c.220G>C, p.Glu74Gln (LRG_429t1); c.220G>C (NM_001100.4).
Identifiers: ClinVar variation 166653 (VCV000166653.18), dbSNP rs727503798, ClinGen allele CA233443.
Genomic context (GRCh38, chr1:229,432,790, plus strand): 5'-TGTAGAAGGTGTGGTGCCAGATCTTCTCCATGTCATCCCAGTTGGTGATGATGCCGTGCT[C>G]GATAGGGTACTTCAGGGTCAGGATACCTCTCTTGCTCTGAGCCTCGTCGCCCACGTAGGA-3'